The following is an entry in ClinVar:

NM_003924.4(PHOX2B):c.659C>T (p.Pro220Leu)

Gene: PHOX2B (paired like homeobox 2B; minus strand). Cytogenetic location: 4p13.
Variant type: single nucleotide variant.
Coding change: c.659C>T on transcript NM_003924.4 (MANE Select); coding-DNA position 659, C replaced by T.
Protein change: p.Pro220Leu; replaces proline 220 with leucine.
Molecular consequence: missense variant.
Genome position (GRCh38, 1-based): chr4:41,746,093, G>A on the plus strand (C>T on the coding strand, the complement: PHOX2B is on the minus strand). VCF-style: chr4-41746093-G-A. GRCh37 (hg19) VCF-style: chr4-41748110-G-A.
Other names: c.659C>T (NM_003924.3); short protein forms P220L.
Identifiers: ClinVar variation 1448955 (VCV001448955.8), dbSNP rs1733887201, ClinGen allele CA356737472.

ClinVar aggregate classification (germline): Uncertain significance. Review status: criteria provided, multiple submitters, no conflicts (2 of 4 stars). 2 submissions from 2 submitters: Uncertain significance (2). Last evaluated 2024-11-26.

Conditions:
Haddad syndrome (OHD). Also called: Ondine-Hirschsprung disease. Identifiers: Orphanet 99803, MedGen C1859049, MONDO:0020493.
Hereditary cancer-predisposing syndrome. Also called: Hereditary Cancer Syndrome; Hereditary neoplastic syndrome; Neoplastic Syndromes, Hereditary; Tumor predisposition. Identifiers: Orphanet 140162, MedGen C0027672, MeSH D009386, MONDO:0015356.

Submissions (2):

Ambry Genetics
Classification: Uncertain significance for Hereditary cancer-predisposing syndrome. Last evaluated: 2024-11-26. Review status: criteria provided, single submitter. Criteria: Ambry Variant Classification Scheme 2023. Collection method: clinical testing. Allele origin: germline.
Comment: The p.P220L variant (also known as c.659C>T), located in coding exon 3 of the PHOX2B gene, results from a C to T substitution at nucleotide position 659. The proline at codon 220 is replaced by leucine, an amino acid with similar properties. This amino acid position is well conserved in available vertebrate species. In addition, this alteration is predicted to be tolerated by in silico analysis. Based on the available evidence, the clinical significance of this variant remains unclear.

Labcorp Genetics (formerly Invitae), Labcorp
Classification: Uncertain significance for Haddad syndrome. Last evaluated: 2023-10-15. Review status: criteria provided, single submitter. Criteria: Invitae Variant Classification Sherloc (09022015). Collection method: clinical testing. Allele origin: germline.
Comment: This sequence change replaces proline, which is neutral and non-polar, with leucine, which is neutral and non-polar, at codon 220 of the PHOX2B protein (p.Pro220Leu). This variant is not present in population databases (gnomAD no frequency). This variant has not been reported in the literature in individuals affected with PHOX2B-related conditions. ClinVar contains an entry for this variant (Variation ID: 1448955). Advanced modeling of protein sequence and biophysical properties (such as structural, functional, and spatial information, amino acid conservation, physicochemical variation, residue mobility, and thermodynamic stability) performed at Invitae indicates that this missense variant is not expected to disrupt PHOX2B protein function. In summary, the available evidence is currently insufficient to determine the role of this variant in disease. Therefore, it has been classified as a Variant of Uncertain Significance.